The following is an entry in ClinVar:

NM_000070.3(CAPN3):c.226G>C (p.Val76Leu)

Gene: CAPN3 (calpain 3; plus strand). Cytogenetic location: 15q15.1.
Variant type: single nucleotide variant.
Coding change: c.226G>C on transcript NM_000070.3 (MANE Select); coding-DNA position 226, G replaced by C.
Protein change: p.Val76Leu; replaces valine 76 with leucine.
Molecular consequence: missense variant.
Genome position (GRCh38, 1-based): chr15:42,360,031, G>C. VCF-style: chr15-42360031-G-C. GRCh37 (hg19) VCF-style: chr15-42652229-G-C.
Other names: c.226G>C, p.Val76Leu (NM_024344.2, NM_173087.2); short protein forms V76L.
Identifiers: ClinVar variation 2149641 (VCV002149641.1), dbSNP rs929916569, ClinGen allele CA269853965.

ClinVar aggregate classification (germline): Uncertain significance (1 of 4 stars; one submission).

Conditions:
Autosomal recessive limb-girdle muscular dystrophy type 2A (LGMDR1). Also called: Limb-girdle muscular dystrophy, type 2A; Calpainopathy; LEYDEN-MOEBIUS MUSCULAR DYSTROPHY; MUSCULAR DYSTROPHY, PELVOFEMORAL; Muscular dystrophy, limb-girdle, type 2A, Amish. Identifiers: Orphanet 267, MedGen C1869123, MONDO:0009675, OMIM 253600. Disease mechanism: loss of function.

Allele frequency attached by ClinVar (database versions not stated): gnomAD exomes below 0.00001; gnomAD 0.00001; TOPMed 0.00001.
gnomAD v4.1: 5 of 1,614,090 alleles (0.00031%); highest among the groups gnomAD compares: African/African-American, 0.0067%; no homozygotes.

Submission:

Labcorp Genetics (formerly Invitae), Labcorp
Classification: Uncertain significance for Autosomal recessive limb-girdle muscular dystrophy type 2A. Last evaluated: 2022-09-03. Review status: criteria provided, single submitter. Criteria: Invitae Variant Classification Sherloc (09022015). Collection method: clinical testing. Allele origin: germline.
Comment: This sequence change replaces valine, which is neutral and non-polar, with leucine, which is neutral and non-polar, at codon 76 of the CAPN3 protein (p.Val76Leu). This variant is not present in population databases (gnomAD no frequency). This variant has not been reported in the literature in individuals affected with CAPN3-related conditions. Algorithms developed to predict the effect of missense changes on protein structure and function output the following: SIFT: "Tolerated"; PolyPhen-2: "Benign"; Align-GVGD: "Class C0". The leucine amino acid residue is found in multiple mammalian species, which suggests that this missense change does not adversely affect protein function. In summary, the available evidence is currently insufficient to determine the role of this variant in disease. Therefore, it has been classified as a Variant of Uncertain Significance.